The following is an entry in ClinVar:

NM_005035.4(POLRMT):c.1797C>T (p.Ser599=)

Gene: POLRMT (RNA polymerase mitochondrial; minus strand). Cytogenetic location: 19p13.3.
Variant type: single nucleotide variant.
Coding change: c.1797C>T on transcript NM_005035.4 (MANE Select); coding-DNA position 1797, C replaced by T.
Protein change: p.Ser599=; no amino-acid change (serine 599 retained).
Molecular consequence: synonymous variant. On other transcripts: non-coding transcript variant (1), intron variant (2).
Genome position (GRCh38, 1-based): chr19:622,203, G>A on the plus strand (C>T on the coding strand, the complement: POLRMT is on the minus strand). VCF-style: chr19-622203-G-A. GRCh37 (hg19) VCF-style: chr19-622203-G-A.
Other names: c.1797C>T, p.Ser599= (NM_001407805.1, NM_001407808.1, NM_001407812.1 and 4 more transcripts); c.1788C>T, p.Ser596= (NM_001407806.1, NM_001407809.1); c.1785C>T, p.Ser595= (NM_001407807.1, NM_001407810.1); c.1755C>T, p.Ser585= (NM_001407811.1, NM_001407813.1); c.1473C>T, p.Ser491= (NM_001407831.1, NM_001407833.1, NM_001407835.1 and 1 more transcripts); c.1464C>T, p.Ser488= (NM_001407834.1); c.1627-357C>T (NM_001407832.1, NM_001407830.1).
Identifiers: ClinVar variation 4872861 (VCV004872861.3).

ClinVar aggregate classification (germline): Likely benign. Review status: criteria provided, multiple submitters, no conflicts (2 of 4 stars). 2 submissions from 2 submitters: Likely benign (2). Last evaluated 2026-06-01.

gnomAD v4.1: 1,095 of 1,583,856 alleles (0.069%); highest among the groups gnomAD compares: African/African-American, 1.3%; 8 homozygotes.

Submissions (2):

CeGaT Center for Human Genetics Tuebingen
Classification: Likely benign. Last evaluated: 2026-06-01. Review status: criteria provided, single submitter. Criteria: CeGaT Center For Human Genetics Tuebingen Variant Classification Criteria Version 2. Collection method: clinical testing. Allele origin: germline. Affected: yes. Observed: 1 variant allele.
Comment: POLRMT: BP4, BP7, BS1

Blueprint Genetics
Classification: Likely benign. Last evaluated: 2024-08-20. Review status: criteria provided, single submitter. Criteria: ACMG Guidelines, 2015. Collection method: clinical testing. Allele origin: germline.